The following is an entry in ClinVar:

NM_000088.4(COL1A1):c.750+2T>C

Genes: COL1A1 (collagen type I alpha 1 chain; minus strand), LOC126862586 (CDK7 strongly-dependent group 2 enhancer GRCh37_chr17:48273702-48274901; plus strand). Cytogenetic location: 17q21.33.
Variant type: single nucleotide variant.
Coding change: c.750+2T>C on transcript NM_000088.4 (MANE Select); the canonical splice donor site of the intron after coding-DNA position 750, T replaced by C.
Molecular consequence: splice donor variant.
Genome position (GRCh38, 1-based): chr17:50,197,178, A>G on the plus strand (T>C on the coding strand, the complement: COL1A1 is on the minus strand). VCF-style: chr17-50197178-A-G. GRCh37 (hg19) VCF-style: chr17-48274539-A-G.
Identifiers: ClinVar variation 847614 (VCV000847614.10), dbSNP rs1907669327, ClinGen allele CA400224069.

ClinVar aggregate classification (germline): Pathogenic (1 of 4 stars; one submission).

Conditions:
Osteogenesis imperfecta type I (OI1). Also called: OI, TYPE I; OSTEOGENESIS IMPERFECTA TARDA; OSTEOGENESIS IMPERFECTA WITH BLUE SCLERAE; Osteogenesis imperfecta type 1; Lobstein disease; Classic Non-deforming Osteogenesis Imperfecta with Blue Sclerae. Identifiers: Orphanet 216796, Orphanet 666, MedGen C0023931, MONDO:0008146, OMIM 166200. Disease mechanism: loss of function.

Submission:

Labcorp Genetics (formerly Invitae), Labcorp
Classification: Pathogenic for Osteogenesis imperfecta type I. Last evaluated: 2021-05-27. Review status: criteria provided, single submitter. Criteria: Invitae Variant Classification Sherloc (09022015). Collection method: clinical testing. Allele origin: germline.
Comment: For these reasons, this variant has been classified as Pathogenic. Donor and acceptor splice site variants typically lead to a loss of protein function (PMID: 16199547), and loss-of-function variants in COL1A1 are known to be pathogenic (PMID: 7942841, 9295084, 9443882). Algorithms developed to predict the effect of sequence changes on RNA splicing suggest that this variant may disrupt the consensus splice site, but this prediction has not been confirmed by published transcriptional studies. Disruption of this splice has been observed in an individual affected with osteogenesis imperfecta, type 1 (PMID: 28326186). This variant is not present in population databases (ExAC no frequency). This sequence change affects a donor splice site in intron 10 of the COL1A1 gene. It is expected to disrupt RNA splicing and likely results in an absent or disrupted protein product.

Literature cited by the submitters: PubMed 16199547; PubMed 7942841; PubMed 9295084; PubMed 9443882; PubMed 28326186.